The following is an entry in ClinVar:

NM_006415.4(SPTLC1):c.963G>A (p.Arg321=)

Gene: SPTLC1 (serine palmitoyltransferase long chain base subunit 1; minus strand). Cytogenetic location: 9q22.31.
Variant type: single nucleotide variant.
Coding change: c.963G>A on transcript NM_006415.4 (MANE Select); coding-DNA position 963, G replaced by A.
Protein change: p.Arg321=; no amino-acid change (arginine 321 retained).
Molecular consequence: synonymous variant.
Genome position (GRCh38, 1-based): chr9:92,047,634, C>T on the plus strand (G>A on the coding strand, the complement: SPTLC1 is on the minus strand). VCF-style: chr9-92047634-C-T. GRCh37 (hg19) VCF-style: chr9-94809916-C-T.
Other names: c.963G>A (LRG_272t1); c.963G>A, p.Arg321= (NM_001281303.2); c.597G>A, p.Arg199= (NM_001368272.1); c.498G>A, p.Arg166= (NM_001368273.1).
Identifiers: ClinVar variation 386931 (VCV000386931.39), dbSNP rs756999851, ClinGen allele CA5121373.
Genomic context (GRCh38, chr9:92,047,634, plus strand): 5'-TAGTTTCAGTTTTAGCTCCTGTTTTTAAAAAGAACCCACCTGATGGTCAATTACAAAAGA[C>T]CTGCCACAGCAGAAACCTCCAATAGAAGCAAGTGCATTCTCCATGTTGGCACTGATAAGA-3'
Protein context (NP_006406.1, residues 311-331): LASIGGFCCG[Arg321=]SFVIDHQRLS

ClinVar aggregate classification (germline): Likely benign. Review status: criteria provided, multiple submitters, no conflicts (2 of 4 stars). 5 submissions from 5 submitters: Likely benign (5). Last evaluated 2025-11-01.

Conditions:
Inborn genetic diseases. Identifiers: MedGen C0950123, MeSH D030342.
Hereditary sensory and autonomic neuropathy type 1 (HSAN1). Also called: HSAN 1; Hereditary Sensory Neuropathy Type I; HSN Type I. Identifiers: Orphanet 36386, MedGen C0020071, MONDO:0018213.

Allele frequency attached by ClinVar (database versions not stated): gnomAD 0.00009 and 0.00008; ExAC 0.00014; TOPMed 0.00007; gnomAD exomes 0.00011 and 0.00013.
gnomAD v4.1: 201 of 1,613,338 alleles (0.012%); highest among the groups gnomAD compares: Non-Finnish European, 0.016%; no homozygotes.

Submissions (5):

CeGaT Center for Human Genetics Tuebingen
Classification: Likely benign. Last evaluated: 2025-11-01. Review status: criteria provided, single submitter. Criteria: CeGaT Center For Human Genetics Tuebingen Variant Classification Criteria Version 2. Collection method: clinical testing. Allele origin: germline. Affected: yes. Observed: 5 variant alleles.
Comment: SPTLC1: BP4, BP7

Labcorp Genetics (formerly Invitae), Labcorp
Classification: Likely benign for Hereditary sensory and autonomic neuropathy type 1. Last evaluated: 2025-10-07. Review status: criteria provided, single submitter. Criteria: Invitae Variant Classification Sherloc (09022015). Collection method: clinical testing. Allele origin: germline.

Blueprint Genetics
Classification: Likely benign. Last evaluated: 2024-10-18. Review status: criteria provided, single submitter. Criteria: ACMG Guidelines, 2015. Collection method: clinical testing. Allele origin: germline.

GeneDx
Classification: Likely benign. Last evaluated: 2021-01-20. Review status: criteria provided, single submitter. Criteria: GeneDx Variant Classification Process June 2021. Collection method: clinical testing. Allele origin: germline. Affected: yes.

Ambry Genetics
Classification: Likely benign for Inborn genetic diseases. Last evaluated: 2019-07-11. Review status: criteria provided, single submitter. Criteria: Ambry Variant Classification Scheme 2023. Collection method: clinical testing. Allele origin: germline.